The following is an entry in ClinVar:

NM_001273.5(CHD4):c.1064G>A (p.Gly355Asp)

Gene: CHD4 (chromodomain helicase DNA binding protein 4; minus strand). Cytogenetic location: 12p13.31.
Variant type: single nucleotide variant.
Coding change: c.1064G>A on transcript NM_001273.5 (MANE Select); coding-DNA position 1064, G replaced by A.
Protein change: p.Gly355Asp; replaces glycine 355 with aspartic acid.
Molecular consequence: missense variant. On other transcripts: intron variant (1).
Genome position (GRCh38, 1-based): chr12:6,600,395, C>T on the plus strand (G>A on the coding strand, the complement: CHD4 is on the minus strand). VCF-style: chr12-6600395-C-T. GRCh37 (hg19) VCF-style: chr12-6709561-C-T.
Other names: c.1043G>A, p.Gly348Asp (NM_001297553.2); c.1064-39G>A (NM_001363606.2); c.1064G>A (NM_001273.2, NM_001273.3); short protein forms G348D, G355D.
Identifiers: ClinVar variation 1581944 (VCV001581944.11), dbSNP rs144876223, ClinGen allele CA6412309.
Genomic context (GRCh38, chr12:6,600,395, plus strand): 5'-ACCTCGCAATAGTCCTGGTGGTCTGTCTCATAACCATCCACAGCAGTCACCTCCTCCTCG[C>T]CTGGGCAAGGAAGAGGGAAAGCCCAGTTATTGGAAAAAAACTACCTCCCCCCACCCCCCG-3'
Protein context (NP_001264.2, residues 345-365): KLRTTKKKKK[Gly355Asp]EEEVTAVDGY

ClinVar aggregate classification (germline): Likely benign. Review status: criteria provided, multiple submitters, no conflicts (2 of 4 stars). 3 submissions from 3 submitters: Likely benign (2). 1 of the submissions does not count toward it. Last evaluated 2025-11-18.

Conditions:
Inborn genetic diseases. Identifiers: MedGen C0950123, MeSH D030342.
CHD4-related disorder. Also called: CHD4-related condition.

Allele frequency attached by ClinVar (database versions not stated): TOPMed 0.00013; gnomAD 0.00028 and 0.00025; ExAC 0.00030; gnomAD exomes 0.00030 and 0.00027; ESP Exome Variant Server 0.00023.

Submissions (3):

Labcorp Genetics (formerly Invitae), Labcorp
Classification: Likely benign. Last evaluated: 2025-11-18. Review status: criteria provided, single submitter. Criteria: Invitae Variant Classification Sherloc (09022015). Collection method: clinical testing. Allele origin: germline.

Ambry Genetics
Classification: Likely benign for Inborn genetic diseases. Last evaluated: 2024-12-12. Review status: criteria provided, single submitter. Criteria: Ambry Variant Classification Scheme 2023. Collection method: clinical testing. Allele origin: germline.

PreventionGenetics, part of Exact Sciences
Classification: Likely benign for CHD4-related condition. Last evaluated: 2019-08-27. Review status: no assertion criteria provided. Collection method: clinical testing. Allele origin: germline. Not counted in ClinVar's aggregate classification.
Comment: This variant is classified as likely benign based on ACMG/AMP sequence variant interpretation guidelines (Richards et al. 2015 PMID: 25741868, with internal and published modifications).